The following is an entry in ClinVar:

ClinVar aggregate classification (germline): Uncertain significance (1 of 4 stars; one submission).

Conditions:
Long QT syndrome (LQTS). Identifiers: MedGen C0023976, MeSH D008133, MONDO:0002442. Disease mechanism: loss of function. Inheritance: Various modes of inheritance.

Submission:

Labcorp Genetics (formerly Invitae), Labcorp
Classification: Uncertain significance for Long QT syndrome. Last evaluated: 2024-09-06. Review status: criteria provided, single submitter. Criteria: Invitae Variant Classification Sherloc (09022015). Collection method: clinical testing. Allele origin: germline.
Comment: This sequence change replaces proline, which is neutral and non-polar, with leucine, which is neutral and non-polar, at codon 902 of the KCNH2 protein (p.Pro902Leu). This variant is not present in population databases (gnomAD no frequency). This variant has not been reported in the literature in individuals affected with KCNH2-related conditions. An algorithm developed to predict the effect of missense changes on protein structure and function (PolyPhen-2) suggests that this variant is likely to be tolerated. In summary, the available evidence is currently insufficient to determine the role of this variant in disease. Therefore, it has been classified as a Variant of Uncertain Significance.

NM_000238.4(KCNH2):c.2705C>T (p.Pro902Leu)

Gene: KCNH2 (potassium voltage-gated channel subfamily H member 2; minus strand). Cytogenetic location: 7q36.1.
Variant type: single nucleotide variant.
Coding change: c.2705C>T on transcript NM_000238.4 (MANE Select); coding-DNA position 2705, C replaced by T.
Protein change: p.Pro902Leu; replaces proline 902 with leucine.
Molecular consequence: missense variant.
Genome position (GRCh38, 1-based): chr7:150,947,866, G>A on the plus strand (C>T on the coding strand, the complement: KCNH2 is on the minus strand). VCF-style: chr7-150947866-G-A. GRCh37 (hg19) VCF-style: chr7-150644954-G-A.
Other names: c.2417C>T, p.Pro806Leu (NM_001406753.1); c.1685C>T, p.Pro562Leu (NM_172057.3); short protein forms P562L, P902L, P806L.
Identifiers: ClinVar variation 2748418 (VCV002748418.3), dbSNP rs2486008713, ClinGen allele CA369853548.